The following is an entry in ClinVar:

NC_000005.10:g.112707382A>G

Gene: APC (APC regulator of Wnt signaling pathway; plus strand). Cytogenetic location: 5q22.2.
Variant type: single nucleotide variant.
Genome position: GRCh38 VCF-style: chr5-112707382-A-G. GRCh37 (hg19) VCF-style: chr5-112043079-A-G.
Identifiers: ClinVar variation 3016593 (VCV003016593.3), dbSNP rs2149628316, ClinGen allele CA2674863418.

ClinVar aggregate classification (germline): Uncertain significance (1 of 4 stars; one submission).

Conditions:
Familial adenomatous polyposis 1 (FAP1). Also called: FAMILIAL ADENOMATOUS POLYPOSIS 1, ATTENUATED; POLYPOSIS, ADENOMATOUS INTESTINAL. Identifiers: MedGen C2713442, MONDO:0021056, OMIM 175100. Disease mechanism: loss of function.

Submission:

Labcorp Genetics (formerly Invitae), Labcorp
Classification: Uncertain significance for Familial adenomatous polyposis 1. Last evaluated: 2023-08-30. Review status: criteria provided, single submitter. Criteria: Invitae Variant Classification Sherloc (09022015). Collection method: clinical testing. Allele origin: germline.
Comment: In summary, the available evidence is currently insufficient to determine the role of this variant in disease. Therefore, it has been classified as a Variant of Uncertain Significance. Experimental studies and prediction algorithms are not available or were not evaluated, and the functional significance of this variant is currently unknown. This variant has not been reported in the literature in individuals affected with APC-related conditions. This variant is not present in population databases (gnomAD no frequency). This variant occurs in a non-coding region of the APC gene. It does not change the encoded amino acid sequence of the APC protein.